The following is an entry in ClinVar:

NM_005633.4(SOS1):c.2546T>C (p.Val849Ala)

Gene: SOS1 (SOS Ras/Rac guanine nucleotide exchange factor 1; minus strand). Cytogenetic location: 2p22.1.
Variant type: single nucleotide variant.
Coding change: c.2546T>C on transcript NM_005633.4 (MANE Select); coding-DNA position 2546, T replaced by C.
Protein change: p.Val849Ala; replaces valine 849 with alanine.
Molecular consequence: missense variant.
Genome position (GRCh38, 1-based): chr2:39,007,158, A>G on the plus strand (T>C on the coding strand, the complement: SOS1 is on the minus strand). VCF-style: chr2-39007158-A-G. GRCh37 (hg19) VCF-style: chr2-39234299-A-G.
Other names: c.2525T>C, p.Val842Ala (NM_001382394.1); c.2546T>C, p.Val849Ala (NM_001382395.1); short protein forms V842A, V849A.
Identifiers: ClinVar variation 2861970 (VCV002861970.3), dbSNP rs2528969340, ClinGen allele CA346363593.

ClinVar aggregate classification (germline): Uncertain significance (1 of 4 stars; one submission).

Conditions:
RASopathy. Also called: Noonan spectrum disorder; rasopathies. Identifiers: Orphanet 536391, MedGen C5555857, MONDO:0021060.

Submission:

Labcorp Genetics (formerly Invitae), Labcorp
Classification: Uncertain significance for RASopathy. Last evaluated: 2023-05-11. Review status: criteria provided, single submitter. Criteria: Invitae Variant Classification Sherloc (09022015). Collection method: clinical testing. Allele origin: germline.
Comment: In summary, the available evidence is currently insufficient to determine the role of this variant in disease. Therefore, it has been classified as a Variant of Uncertain Significance. Advanced modeling of protein sequence and biophysical properties (such as structural, functional, and spatial information, amino acid conservation, physicochemical variation, residue mobility, and thermodynamic stability) has been performed at Invitae for this missense variant, however the output from this modeling did not meet the statistical confidence thresholds required to predict the impact of this variant on SOS1 protein function. This variant has not been reported in the literature in individuals affected with SOS1-related conditions. This variant is not present in population databases (gnomAD no frequency). This sequence change replaces valine, which is neutral and non-polar, with alanine, which is neutral and non-polar, at codon 849 of the SOS1 protein (p.Val849Ala).